The following is an entry in ClinVar:

NM_199420.4(POLQ):c.3504A>G (p.Ile1168Met)

Gene: POLQ (DNA polymerase theta; minus strand). Cytogenetic location: 3q13.33.
Variant type: single nucleotide variant.
Coding change: c.3504A>G on transcript NM_199420.4 (MANE Select); coding-DNA position 3504, A replaced by G.
Protein change: p.Ile1168Met; replaces isoleucine 1168 with methionine.
Molecular consequence: missense variant.
Genome position (GRCh38, 1-based): chr3:121,489,427, T>C on the plus strand (A>G on the coding strand, the complement: POLQ is on the minus strand). VCF-style: chr3-121489427-T-C. GRCh37 (hg19) VCF-style: chr3-121208274-T-C.
Other names: short protein forms I1168M.
Identifiers: ClinVar variation 3229944 (VCV003229944.1), dbSNP rs2048044663, ClinGen allele CA354099611.
Genomic context (GRCh38, chr3:121,489,427, plus strand): 5'-GTCATGGTGTTTCATATAAACATTCTGGTTTTTTGAACCATTTTGTATCAGCACTTCATT[T>C]ATTTTTTCTGCCTCAACAGCTACTCCTCTGCCCTTTTCACTAACCACACTAGTGGCCTGA-3'
Protein context (NP_955452.3, residues 1158-1178): GRGVAVEAEK[Ile1168Met]NEVLIQNGSK

ClinVar aggregate classification (germline): Uncertain significance (1 of 4 stars; one submission).

Submission:

Ambry Genetics
Classification: Uncertain significance. Last evaluated: 2024-03-09. Review status: criteria provided, single submitter. Criteria: Ambry Variant Classification Scheme 2023. Collection method: clinical testing. Allele origin: germline.
Comment: The p.I1168M variant (also known as c.3504A>G), located in coding exon 16 of the POLQ gene, results from an A to G substitution at nucleotide position 3504. The isoleucine at codon 1168 is replaced by methionine, an amino acid with highly similar properties. This amino acid position is conserved. In addition, this alteration is predicted to be tolerated by in silico analysis. Based on the available evidence, the clinical significance of this alteration remains unclear.